The following is an entry in ClinVar:

ClinVar aggregate classification (germline): Likely benign (0 of 4 stars; one submission).

Conditions:
IL17RD-related disorder. Also called: IL17RD-related condition.

Allele frequency attached by ClinVar (database versions not stated): ExAC 0.00007; gnomAD 0.00016; TOPMed 0.00023; 1000 Genomes Project 30x 0.00031; 1000 Genomes Project 0.00040.
gnomAD v4.1: 110 of 1,613,606 alleles (0.0068%); highest among the groups gnomAD compares: African/African-American, 0.095%; no homozygotes.

Submission:

PreventionGenetics, part of Exact Sciences
Classification: Likely benign for IL17RD-related condition. Last evaluated: 2019-03-25. Review status: no assertion criteria provided. Collection method: clinical testing. Allele origin: germline.
Comment: This variant is classified as likely benign based on ACMG/AMP sequence variant interpretation guidelines (Richards et al. 2015 PMID: 25741868, with internal and published modifications).

NM_017563.5(IL17RD):c.159G>A (p.Leu53=)

Gene: IL17RD (interleukin 17 receptor D; minus strand). Cytogenetic location: 3p14.3.
Variant type: single nucleotide variant.
Coding change: c.159G>A on transcript NM_017563.5 (MANE Select); coding-DNA position 159, G replaced by A.
Protein change: p.Leu53=; no amino-acid change (leucine 53 retained).
Molecular consequence: synonymous variant. On other transcripts: 5 prime UTR variant (1).
Genome position (GRCh38, 1-based): chr3:57,120,281, C>T on the plus strand (G>A on the coding strand, the complement: IL17RD is on the minus strand). VCF-style: chr3-57120281-C-T. GRCh37 (hg19) VCF-style: chr3-57154309-C-T.
Other names: c.159G>A, p.Leu53= (NM_001080973.1); c.-274G>A (NM_001318864.2).
Identifiers: ClinVar variation 3058117 (VCV003058117.2), dbSNP rs146518310, ClinGen allele CA2463161.